The following is an entry in ClinVar:

NM_000421.5(KRT10):c.1506AAGCTCCGGCGGCGG[3] (p.Gly512_Tyr513insSerSerGlyGlyGly)

Gene: KRT10 (keratin 10; minus strand). Cytogenetic location: 17q21.2.
Variant type: Microsatellite.
Coding change: c.1506AAGCTCCGGCGGCGG[3] on transcript NM_000421.5 (MANE Select); three copies in a row of the 15-base unit AAGCTCCGGCGGCGG starting at c.1506; the reference has two copies in a row; one copy, 15 bases duplicated.
Protein change: p.Gly512_Tyr513insSerSerGlyGlyGly.
Molecular consequence: inframe insertion.
Genome position (GRCh38, 1-based): chr17:40,819,000-40,819,014, CCGCCGCCGGAGCTT duplicated on the plus strand (AAGCTCCGGCGGCGG on the coding strand, the reverse complement: KRT10 is on the minus strand); duplicating any 15 consecutive bases within chr17:40,819,000-40,819,034 gives the same sequence; the position shown is the placement nearest the transcript's 3' end. VCF-style (leftmost placement, unchanged base first): chr17-40818999-G-GCCGCCGCCGGAGCTT. GRCh37 (hg19) VCF-style: chr17-38975251-G-GCCGCCGCCGGAGCTT.
Other names: c.1521_1535dup15 (NM_000421.3); c.1506AAGCTCCGGCGGCGG[3], p.Gly512_Tyr513insSerSerGlyGlyGly (NM_001379366.1).
Identifiers: ClinVar variation 2047075 (VCV002047075.8), dbSNP rs570853437, ClinGen allele CA8547983.
Genomic context (GRCh38, chr17:40,818,999, plus strand): 5'-ACCACCGTAGCCGCCGCTGGAACTGCCGCCGTGGCCGCCGCTGGAGCTTCCGCCCCCGTA[G>GCCGCCGCCGGAGCTT]CCGCCGCCGGAGCTTCCGCCGCCGGAGCTTCCGCCTCCGTAGCCGCCGCCGGAACTGCCG-3'

ClinVar aggregate classification (germline): Conflicting classifications of pathogenicity. Review status: criteria provided, conflicting classifications (1 of 4 stars). 4 submissions from 4 submitters: Uncertain significance (1); Likely benign (2). 1 of the submissions does not count toward it. Last evaluated 2025-10-02.

Conditions:
KRT10-related disorder. Also called: KRT10-related condition.

Submissions (4):

Labcorp Genetics (formerly Invitae), Labcorp
Classification: Uncertain significance. Last evaluated: 2025-10-02. Review status: criteria provided, single submitter. Criteria: Invitae Variant Classification Sherloc (09022015). Collection method: clinical testing. Allele origin: germline.
Comment: This variant, c.1521_1535dup, results in the insertion of 5 amino acid(s) of the KRT10 protein (p.Ser508_Gly512dup), but otherwise preserves the integrity of the reading frame. This variant is present in population databases (no rsID available, gnomAD 0.09%), and has an allele count higher than expected for a pathogenic variant. This variant has not been reported in the literature in individuals affected with KRT10-related conditions. In summary, the available evidence is currently insufficient to determine the role of this variant in disease. Therefore, it has been classified as a Variant of Uncertain Significance.

Laboratory of Genetics, Children's Clinical University Hospital Latvia
Classification: Likely benign. Last evaluated: 2025-02-16. Review status: criteria provided, single submitter. Criteria: ACMG Guidelines, 2015. Collection method: clinical testing. Allele origin: germline. Affected: yes.

Blueprint Genetics
Classification: Likely benign. Last evaluated: 2024-11-21. Review status: criteria provided, single submitter. Criteria: ACMG Guidelines, 2015. Collection method: clinical testing. Allele origin: germline.

PreventionGenetics, part of Exact Sciences
Classification: Likely benign for KRT10-related condition. Last evaluated: 2020-09-17. Review status: no assertion criteria provided. Collection method: clinical testing. Allele origin: germline. Not counted in ClinVar's aggregate classification.
Comment: This variant is classified as likely benign based on ACMG/AMP sequence variant interpretation guidelines (Richards et al. 2015 PMID: 25741868, with internal and published modifications).